The following is an entry in ClinVar:

ClinVar aggregate classification (germline): Uncertain significance (1 of 4 stars; one submission).

Submission:

GeneDx
Classification: Uncertain significance. Last evaluated: 2022-03-10. Review status: criteria provided, single submitter. Criteria: GeneDx Variant Classification Process June 2021. Collection method: clinical testing. Allele origin: germline. Affected: yes.
Comment: Not observed at significant frequency in large population cohorts (gnomAD); Frameshift variant predicted to result in protein truncation or nonsense mediated decay in a gene for which loss-of-function is not a known mechanism of disease; Has not been previously published as pathogenic or benign to our knowledge; Variants in candidate genes are classified as variants of uncertain significance in accordance with ACMG guidelines (Richards et al., 2015)

NM_024721.5(ZFHX4):c.718_725del (p.Tyr240fs)

Gene: ZFHX4 (zinc finger homeobox 4; plus strand). Cytogenetic location: 8q21.13.
Variant type: Deletion.
Coding change: c.718_725del on transcript NM_024721.5 (MANE Select); coding-DNA positions 718 to 725, 8 bases deleted (TATCTAAC; older notation c.718_725delTATCTAAC).
Protein change: p.Tyr240fs; shifts the reading frame from tyrosine 240.
Molecular consequence: frameshift variant.
Genome position (GRCh38, 1-based): chr8:76,704,806-76,704,813, TATCTAAC deleted; deleting any 8 consecutive bases within chr8:76,704,804-76,704,813 gives the same sequence; the c. name uses the placement nearest the transcript's 3' end. VCF-style (leftmost placement, unchanged base first): chr8-76704803-GACTATCTA-G. GRCh37 (hg19) VCF-style: chr8-77617038-GACTATCTA-G.
Other names: c.718_725del, p.Tyr240fs (NM_001410934.1); short protein forms Y240fs.
Identifiers: ClinVar variation 3900255 (VCV003900255.1).
Genomic context (GRCh38, chr8:76,704,803, plus strand): 5'-GGAGTTGGTCCTGTGTTGCACAGTTTCCGTGTCTATGATCTCCGACACAAGAGAGAGAAA[GACTATCTA>G]ACCAGTGATGGCTCAGCCAAAAACTCCTGTGTGTCCAAAGATGTCCCTAACAATGTGGAC-3'